The following is an entry in ClinVar:

NM_022114.4(PRDM16):c.524C>T (p.Ala175Val)

Gene: PRDM16 (PR/SET domain 16; plus strand). Cytogenetic location: 1p36.32.
Variant type: single nucleotide variant.
Coding change: c.524C>T on transcript NM_022114.4 (MANE Select); coding-DNA position 524, C replaced by T.
Protein change: p.Ala175Val; replaces alanine 175 with valine.
Molecular consequence: missense variant.
Genome position (GRCh38, 1-based): chr1:3,385,237, C>T. VCF-style: chr1-3385237-C-T. GRCh37 (hg19) VCF-style: chr1-3301801-C-T.
Other names: c.524C>T, p.Ala175Val (NM_199454.3); c.524C>T (NM_022114.3); short protein forms A175V.
Identifiers: ClinVar variation 1042807 (VCV001042807.9), dbSNP rs371532027, ClinGen allele CA543841.

ClinVar aggregate classification (germline): Uncertain significance. Review status: criteria provided, multiple submitters, no conflicts (2 of 4 stars). 2 submissions from 2 submitters: Uncertain significance (2). Last evaluated 2024-07-16.

Conditions:
Inborn genetic diseases. Identifiers: MedGen C0950123, MeSH D030342.
Left ventricular noncompaction 8 (LVNC8). Identifiers: Orphanet 154, Orphanet 54260, MedGen C3809288, MONDO:0014152, OMIM 615373.

Allele frequency attached by ClinVar (database versions not stated): gnomAD exomes 0.00001 and 0.00002; TOPMed 0.00001; ExAC 0.00002; gnomAD 0.00002; ESP Exome Variant Server 0.00008.
gnomAD v4.1: 32 of 1,613,592 alleles (0.002%); highest among the groups gnomAD compares: South Asian, 0.0077%; no homozygotes.

Submissions (2):

Labcorp Genetics (formerly Invitae), Labcorp
Classification: Uncertain significance for Left ventricular noncompaction 8. Last evaluated: 2024-07-16. Review status: criteria provided, single submitter. Criteria: Invitae Variant Classification Sherloc (09022015). Collection method: clinical testing. Allele origin: germline.
Comment: This sequence change replaces alanine, which is neutral and non-polar, with valine, which is neutral and non-polar, at codon 175 of the PRDM16 protein (p.Ala175Val). This variant is present in population databases (rs371532027, gnomAD 0.003%). This variant has not been reported in the literature in individuals affected with PRDM16-related conditions. ClinVar contains an entry for this variant (Variation ID: 1042807). An algorithm developed to predict the effect of missense changes on protein structure and function (PolyPhen-2) suggests that this variant is likely to be disruptive. In summary, the available evidence is currently insufficient to determine the role of this variant in disease. Therefore, it has been classified as a Variant of Uncertain Significance.

Ambry Genetics
Classification: Uncertain significance for Inborn genetic diseases. Last evaluated: 2024-03-25. Review status: criteria provided, single submitter. Criteria: Ambry Variant Classification Scheme 2023. Collection method: clinical testing. Allele origin: germline.